The following is an entry in ClinVar:

ClinVar aggregate classification (germline): Pathogenic (1 of 4 stars; one submission).

Conditions:
Congenital hyperammonemia, type I. Also called: CPS I DEFICIENCY; Carbamoyl phosphate synthetase 1 deficiency; Hyperammonemia due to carbamoyl phosphate synthetase 1 deficiency; CPS 1 deficiency; Carbamyl phosphate synthetase (CPS) deficiency; Carbamoyl phosphate synthetase I deficiency disease. Identifiers: Orphanet 147, MedGen C4082171, MONDO:0009376, OMIM 237300.

Submission:

Myriad Genetics, Inc.
Classification: Pathogenic for Congenital hyperammonemia, type I. Last evaluated: 2025-11-29. Review status: criteria provided, single submitter. Criteria: Myriad Autosomal Dominant, Autosomal Recessive and X-Linked Classification Criteria (2023). Collection method: clinical testing. Allele origin: unknown.
Comment: NM_001875.4(CPS1):c.4142dupT(L1381Ffs*4) is expected to be pathogenic in the context of carbamoylphosphate synthetase I deficiency. This variant is predicted to lead to an abnormal or absent protein product due to the creation of a premature termination codon in CPS1, a gene where loss-of-function variants are known to be pathogenic. Please note: this variant was assessed in the context of healthy population screening.

NM_001875.5(CPS1):c.4142dup (p.Leu1381fs)

Gene: CPS1 (carbamoyl-phosphate synthase 1; plus strand). Cytogenetic location: 2q34.
Variant type: Duplication.
Coding change: c.4142dup on transcript NM_001875.5 (MANE Select); coding-DNA position 4142, one base duplicated (T; older notation c.4142dupT).
Protein change: p.Leu1381fs; shifts the reading frame from leucine 1381.
Molecular consequence: frameshift variant. On other transcripts: non-coding transcript variant (2).
Genome position (GRCh38, 1-based): chr2:210,674,942, T duplicated; the last of 2 consecutive T bases (chr2:210,674,941-210,674,942); duplicating either gives the same sequence. VCF-style (leftmost placement, unchanged base first): chr2-210674940-A-AT. GRCh37 (hg19) VCF-style: chr2-211539664-A-AT.
Other names: c.4142dup, p.Leu1381fs (NM_001122633.3, NM_001369257.1); c.4175dup, p.Leu1392fs (NM_001369256.1); short protein forms L1381fs, L1392fs.
Identifiers: ClinVar variation 5015282 (VCV005015282.1).